The following is an entry in ClinVar:

ClinVar aggregate classification (germline): Uncertain significance (1 of 4 stars; one submission).

Allele frequency attached by ClinVar (database versions not stated): gnomAD exomes below 0.00001.
gnomAD v4.1: 2 of 1,550,100 alleles (0.00013%); highest among the groups gnomAD compares: Non-Finnish European, 0.00017%; no homozygotes.

Submission:

Labcorp Genetics (formerly Invitae), Labcorp
Classification: Uncertain significance. Last evaluated: 2022-03-27. Review status: criteria provided, single submitter. Criteria: Invitae Variant Classification Sherloc (09022015). Collection method: clinical testing. Allele origin: germline.
Comment: This variant is not present in population databases (gnomAD no frequency). In summary, the available evidence is currently insufficient to determine the role of this variant in disease. Therefore, it has been classified as a Variant of Uncertain Significance. Algorithms developed to predict the effect of sequence changes on RNA splicing suggest that this variant may create or strengthen a splice site. This variant has not been reported in the literature in individuals affected with OTOG-related conditions. This sequence change falls in intron 21 of the OTOG gene. It does not directly change the encoded amino acid sequence of the OTOG protein.

NM_001292063.2(OTOG):c.2605+9G>A

Gene: OTOG (otogelin; plus strand). Cytogenetic location: 11p15.1.
Variant type: single nucleotide variant.
Coding change: c.2605+9G>A on transcript NM_001292063.2 (MANE Select); 9 bases into the intron after coding-DNA position 2605, G replaced by A.
Molecular consequence: intron variant.
Genome position (GRCh38, 1-based): chr11:17,576,920, G>A. VCF-style: chr11-17576920-G-A. GRCh37 (hg19) VCF-style: chr11-17598467-G-A.
Other names: c.2641+9G>A (NM_001277269.2).
Identifiers: ClinVar variation 2097543 (VCV002097543.4), dbSNP rs2497433553, ClinGen allele CA2574770548.